The following is an entry in ClinVar:

ClinVar aggregate classification (germline): Benign/Likely benign. Review status: criteria provided, multiple submitters, no conflicts (2 of 4 stars). 3 submissions from 3 submitters: Benign (1); Likely benign (2). Last evaluated 2024-05-20.

Conditions:
Hereditary cancer-predisposing syndrome. Also called: Neoplastic Syndromes, Hereditary; Tumor predisposition; Hereditary Cancer Syndrome; Hereditary neoplastic syndrome. Identifiers: Orphanet 140162, MedGen C0027672, MeSH D009386, MONDO:0015356.
Familial cancer of breast. Also called: BREAST CANCER, FAMILIAL; hereditary breast carcinoma; Hereditary breast cancer. Identifiers: Orphanet 227535, MedGen C0346153, MONDO:0016419, OMIM 114480. Disease mechanism: loss of function.

Allele frequency attached by ClinVar (database versions not stated): gnomAD exomes below 0.00001; ExAC 0.00001.
gnomAD v4.1: 1 of 1,612,478 alleles (0.000062%); highest among the groups gnomAD compares: South Asian, 0.0011%; no homozygotes.

Submissions (3):

Myriad Genetics, Inc.
Classification: Benign for Familial cancer of breast. Last evaluated: 2024-05-20. Review status: criteria provided, single submitter. Criteria: Myriad Autosomal Dominant, Autosomal Recessive and X-Linked Classification Criteria (2023). Collection method: clinical testing. Allele origin: unknown.
Comment: This variant is considered benign. This variant is a silent/synonymous amino acid change and it is not expected to impact splicing.

GeneDx
Classification: Likely benign. Last evaluated: 2018-02-22. Review status: criteria provided, single submitter. Criteria: GeneDx Variant Classification (06012015). Collection method: clinical testing. Allele origin: germline. Affected: yes.
Comment: This variant is considered likely benign or benign based on one or more of the following criteria: it is a conservative change, it occurs at a poorly conserved position in the protein, it is predicted to be benign by multiple in silico algorithms, and/or has population frequency not consistent with disease.

Ambry Genetics
Classification: Likely benign for Hereditary cancer-predisposing syndrome. Last evaluated: 2015-09-10. Review status: criteria provided, single submitter. Criteria: Ambry Variant Classification Scheme 2023. Collection method: clinical testing. Allele origin: germline.

NM_000051.4(ATM):c.4713T>C (p.Phe1571=)

Gene: ATM (ATM serine/threonine kinase; plus strand). Cytogenetic location: 11q22.3.
Variant type: single nucleotide variant.
Coding change: c.4713T>C on transcript NM_000051.4 (MANE Select); coding-DNA position 4713, T replaced by C.
Protein change: p.Phe1571=; no amino-acid change (phenylalanine 1571 retained).
Molecular consequence: synonymous variant.
Genome position (GRCh38, 1-based): chr11:108,293,414, T>C. VCF-style: chr11-108293414-T-C. GRCh37 (hg19) VCF-style: chr11-108164141-T-C.
Other names: c.4713T>C, p.Phe1571= (NM_001351834.2).
Identifiers: ClinVar variation 233804 (VCV000233804.6), dbSNP rs750027746, ClinGen allele CA6265530.